The following is an entry in ClinVar:

ClinVar aggregate classification (germline): Uncertain significance. Review status: criteria provided, multiple submitters, no conflicts (2 of 4 stars). 2 submissions from 2 submitters: Uncertain significance (2). Last evaluated 2025-11-22.

Conditions:
COL3A1-related disorder. Also called: COL3A1-related condition.
Ehlers-Danlos syndrome, type 4 (EDSVASC). Also called: Ehlers-Danlos syndrome vascular type; Ehlers Danlos syndrome, ecchymotic type; Ehlers Danlos syndrome, arterial type; Ehlers Danlos syndrome, Sack-Barabas type; Ehlers-Danlos Syndrome Type IV. Identifiers: Orphanet 286, MedGen C0268338, MONDO:0017314, OMIM 130050.

Allele frequency attached by ClinVar (database versions not stated): gnomAD exomes below 0.00001.
gnomAD v4.1: 1 of 1,614,158 alleles (0.000062%); highest among the groups gnomAD compares: Admixed American, 0.0017%; no homozygotes.

Submissions (2):

Labcorp Genetics (formerly Invitae), Labcorp
Classification: Uncertain significance for Ehlers-Danlos syndrome, type 4. Last evaluated: 2025-11-22. Review status: criteria provided, single submitter. Criteria: Invitae Variant Classification Sherloc (09022015). Collection method: clinical testing. Allele origin: germline.
Comment: This sequence change replaces histidine, which is basic and polar, with glutamine, which is neutral and polar, at codon 1048 of the COL3A1 protein (p.His1048Gln). This variant is not present in population databases (gnomAD no frequency). This variant has not been reported in the literature in individuals affected with COL3A1-related conditions. ClinVar contains an entry for this variant (Variation ID: 2633630). Invitae Evidence Modeling of protein sequence and biophysical properties (such as structural, functional, and spatial information, amino acid conservation, physicochemical variation, residue mobility, and thermodynamic stability) indicates that this missense variant is not expected to disrupt COL3A1 protein function with a negative predictive value of 95%. In summary, the available evidence is currently insufficient to determine the role of this variant in disease. Therefore, it has been classified as a Variant of Uncertain Significance.

PreventionGenetics, part of Exact Sciences
Classification: Uncertain significance for COL3A1-related condition. Last evaluated: 2023-03-20. Review status: criteria provided, single submitter. Criteria: ACMG Guidelines, 2015. Collection method: clinical testing. Allele origin: germline.
Comment: The COL3A1 c.3144T>A variant is predicted to result in the amino acid substitution p.His1048Gln. To our knowledge, this variant has not been reported in the literature or in a large population database, indicating this variant is rare. At this time, the clinical significance of this variant is uncertain due to the absence of conclusive functional and genetic evidence.

NM_000090.4(COL3A1):c.3144T>A (p.His1048Gln)

Gene: COL3A1 (collagen type III alpha 1 chain; plus strand). Cytogenetic location: 2q32.2.
Variant type: single nucleotide variant.
Coding change: c.3144T>A on transcript NM_000090.4 (MANE Select); coding-DNA position 3144, T replaced by A.
Protein change: p.His1048Gln; replaces histidine 1048 with glutamine.
Molecular consequence: missense variant.
Genome position (GRCh38, 1-based): chr2:189,006,395, T>A. VCF-style: chr2-189006395-T-A. GRCh37 (hg19) VCF-style: chr2-189871121-T-A.
Other names: short protein forms H1048Q.
Identifiers: ClinVar variation 2633630 (VCV002633630.2), dbSNP rs1559061745, ClinGen allele CA349845104.